The following is an entry in ClinVar:

NM_000059.4(BRCA2):c.7050del (p.Ala2351fs)

Gene: BRCA2 (BRCA2 DNA repair associated; plus strand). Cytogenetic location: 13q13.1.
Variant type: Deletion.
Coding change: c.7050del on transcript NM_000059.4 (MANE Select); coding-DNA position 7050, one base deleted (C; older notation c.7050delC).
Protein change: p.Ala2351fs; shifts the reading frame from alanine 2351.
Molecular consequence: frameshift variant. On other transcripts: non-coding transcript variant (1).
Genome position (GRCh38, 1-based): chr13:32,354,903, C deleted; the last of 2 consecutive C bases (chr13:32,354,902-32,354,903); deleting either gives the same sequence. VCF-style (leftmost placement, unchanged base first): chr13-32354901-AC-A. GRCh37 (hg19) VCF-style: chr13-32929038-AC-A.
Other names: c.6954del, p.Ala2319fs (NM_001406719.1); c.7050del, p.Ala2351fs (NM_001406720.1, NM_001432077.1); c.2118del, p.Ala707fs (NM_001406721.1); c.633del, p.Ala212fs (NM_001406722.1); short protein forms A212fs, A2351fs, A2319fs, A707fs.
Identifiers: ClinVar variation 5033334 (VCV005033334.1).
Genomic context (GRCh38, chr13:32,354,901, plus strand): 5'-ATATTTTCTCCCCATTGCAGCACAACTAAGGAACGTCAAGAGATACAGAATCCAAATTTT[AC>A]CGCACCTGGTCAAGAATTTCTGTCTAAATCTCATTTGTATGAACATCTGACTTTGGAAAA-3'

ClinVar aggregate classification (germline): Pathogenic (1 of 4 stars; one submission).

Conditions:
Hereditary cancer-predisposing syndrome. Also called: Neoplastic Syndromes, Hereditary; Tumor predisposition; Hereditary neoplastic syndrome; Hereditary Cancer Syndrome. Identifiers: Orphanet 140162, MedGen C0027672, MeSH D009386, MONDO:0015356.

Submission:

Ambry Genetics
Classification: Pathogenic for Hereditary cancer-predisposing syndrome. Last evaluated: 2026-08-12. Review status: criteria provided, single submitter. Criteria: Ambry Variant Classification Scheme 2023. Collection method: clinical testing. Allele origin: germline.
Comment: The c.7050delC pathogenic mutation, located in coding exon 13 of the BRCA2 gene, results from a deletion of one nucleotide at nucleotide position 7050, causing a translational frameshift with a predicted alternate stop codon (p.A2351Hfs*16). This variant is considered to be rare based on population cohorts in the Genome Aggregation Database (gnomAD). This alteration is expected to result in loss of function by premature protein truncation or nonsense-mediated mRNA decay. As such, this alteration is interpreted as a disease-causing mutation.